The following is an entry in ClinVar:

ClinVar aggregate classification (germline): Likely pathogenic (1 of 4 stars; one submission).

Conditions:
Structural heart defects and renal anomalies syndrome (SHDRA). Identifiers: Orphanet 689822, MedGen C4479549, MONDO:0044321, OMIM 617478.

Submission:

Diagnostics Services (NGS), CSIR - Centre For Cellular And Molecular Biology
Classification: Likely pathogenic for Structural heart defects and renal anomalies syndrome. Last evaluated: 2024-03-01. Review status: criteria provided, single submitter. Criteria: ACMG Guidelines, 2015. Collection method: clinical testing. Allele origin: unknown. Affected: no. Observed: 2 variant alleles, 2 heterozygotes.
Comment: The c.1966dup variant is not present in publicly available population databases like 1000 Genomes, EVS, Indian Exome Database or our in-house exome database. This variant is present in ExAC and gnomAD at low frequencies. This variant has neither been published in the literature with TMEM260-related conditions nor reported to the clinical databases like Human Genome Mutation Database (HGMD), ClinVar or OMIM, in any affected individuals. In-silico pathogenicity prediction programs like MutationTaster2, CADD, Varsome, Franklin etc predicted this variant to be likely deleterious. This variant causes frameshift at the 656th amino acid position of the wild-type transcript that creates a premature translational stop codon in the altered transcript that may either result in translation of a truncated protein or cause nonsense mediated decay of the mRNA. This variant has been identified as a part extended carrier screening in a couple.

NM_017799.4(TMEM260):c.1966dup (p.Arg656fs)

Gene: TMEM260 (transmembrane protein 260; plus strand). Cytogenetic location: 14q22.3.
Variant type: Duplication.
Coding change: c.1966dup on transcript NM_017799.4 (MANE Select); coding-DNA position 1966, one base duplicated (A; older notation c.1966dupA).
Protein change: p.Arg656fs; shifts the reading frame from arginine 656.
Molecular consequence: frameshift variant.
Genome position (GRCh38, 1-based): chr14:56,647,339, A duplicated; the last of 2 consecutive A bases (chr14:56,647,338-56,647,339); duplicating either gives the same sequence. VCF-style (leftmost placement, unchanged base first): chr14-56647337-C-CA. GRCh37 (hg19) VCF-style: chr14-57114055-C-CA.
Other names: short protein forms R656fs.
Identifiers: ClinVar variation 3251958 (VCV003251958.1), dbSNP rs766333701.
Genomic context (GRCh38, chr14:56,647,337, plus strand): 5'-ACCCAGTGAATTGGCACAAGAACTATGCCATCGCCTGTGAGCGGATGCTGCGTCTTCAGG[C>CA]AAGAGATGCAGATCCTGAAGTGCTGTTATCGGAAACCATCAGACATTTCCGTCTGTACTC-3'